The following is an entry in ClinVar:

NM_000719.7(CACNA1C):c.941C>T (p.Ser314Phe)

Gene: CACNA1C (calcium voltage-gated channel subunit alpha1 C; plus strand). Cytogenetic location: 12p13.33.
Variant type: single nucleotide variant.
Coding change: c.941C>T on transcript NM_000719.7 (MANE Select); coding-DNA position 941, C replaced by T.
Protein change: p.Ser314Phe; replaces serine 314 with phenylalanine.
Molecular consequence: missense variant.
Genome position (GRCh38, 1-based): chr12:2,493,214, C>T. VCF-style: chr12-2493214-C-T. GRCh37 (hg19) VCF-style: chr12-2602380-C-T.
Other names: c.941C>T, p.Ser314Phe (NM_001129831.2, NM_001129832.2, NM_001129833.2 and 18 more transcripts); c.932C>T, p.Ser311Phe (NM_001129844.2); short protein forms S311F, S314F.
Identifiers: ClinVar variation 1021032 (VCV001021032.10), dbSNP rs907730518, ClinGen allele CA231597597.
Genomic context (GRCh38, chr12:2,493,214, plus strand): 5'-CTGCTCCCGTCTCCTGTCTTCTTCTGGCCATTTGAGATGTTCCAGCAGAAGATGACCCTT[C>T]CCCTTGTGCGCTGGAAACGGGCCACGGGCGGCAGTGCCAGAACGGCACGGTGTGCAAGCC-3'
Protein context (NP_000710.5, residues 304-324): IADVPAEDDP[Ser314Phe]PCALETGHGR

ClinVar aggregate classification (germline): Uncertain significance. Review status: criteria provided, multiple submitters, no conflicts (2 of 4 stars). 2 submissions from 2 submitters: Uncertain significance (2). Last evaluated 2023-07-09.

Conditions:
Timothy syndrome (TS). Also called: LONG QT SYNDROME WITH SYNDACTYLY. Identifiers: Orphanet 65283, MedGen C1832916, MeSH C536962, MONDO:0010979, OMIM 601005.
Brugada syndrome 3 (BRGDA3). Identifiers: Orphanet 130, MedGen C2678478, MONDO:0012742, OMIM 611875.
Long QT syndrome 8. Identifiers: MedGen CN260585, MONDO:0032756, OMIM 618447.
Long QT syndrome (LQTS). Identifiers: MedGen C0023976, MeSH D008133, MONDO:0002442. Disease mechanism: loss of function. Inheritance: Various modes of inheritance.

Allele frequency attached by ClinVar (database versions not stated): gnomAD exomes below 0.00001; gnomAD 0.00001 and 0.00002; TOPMed 0.00002.
gnomAD v4.1: 6 of 1,613,844 alleles (0.00037%); highest among the groups gnomAD compares: African/African-American, 0.0053%; no homozygotes.

Submissions (2):

Labcorp Genetics (formerly Invitae), Labcorp
Classification: Uncertain significance for Long QT syndrome. Last evaluated: 2023-07-09. Review status: criteria provided, single submitter. Criteria: Invitae Variant Classification Sherloc (09022015). Collection method: clinical testing. Allele origin: germline.
Comment: In summary, the available evidence is currently insufficient to determine the role of this variant in disease. Therefore, it has been classified as a Variant of Uncertain Significance. Advanced modeling of protein sequence and biophysical properties (such as structural, functional, and spatial information, amino acid conservation, physicochemical variation, residue mobility, and thermodynamic stability) has been performed at Invitae for this missense variant, however the output from this modeling did not meet the statistical confidence thresholds required to predict the impact of this variant on CACNA1C protein function. ClinVar contains an entry for this variant (Variation ID: 1021032). This missense change has been observed in individual(s) with sudden unexplained death (PMID: 29247119). This variant is present in population databases (no rsID available, gnomAD 0.008%). This sequence change replaces serine, which is neutral and polar, with phenylalanine, which is neutral and non-polar, at codon 314 of the CACNA1C protein (p.Ser314Phe).

Fulgent Genetics
Classification: Uncertain significance for Timothy syndrome; Brugada syndrome 3; Long QT syndrome 8. Last evaluated: 2021-09-06. Review status: criteria provided, single submitter. Criteria: ACMG Guidelines, 2015. Collection method: clinical testing. Allele origin: unknown.

Literature cited by the submitters: PubMed 29247119 (cited by Labcorp Genetics (formerly Invitae), Labcorp).